The following is an entry in ClinVar:

ClinVar aggregate classification (germline): Likely benign. Review status: criteria provided, single submitter (1 of 4 stars). 2 submissions from 2 submitters: Likely benign (1). 1 of the submissions does not count toward it. Last evaluated 2023-03-22.

Conditions:
PCDH12-related disorder. Also called: PCDH12-related condition.

Allele frequency attached by ClinVar (database versions not stated): gnomAD exomes 0.00002 and 0.00004; ExAC 0.00003; TOPMed 0.00008; gnomAD 0.00012 and 0.00013; 1000 Genomes Project 30x 0.00016; 1000 Genomes Project 0.00020; ESP Exome Variant Server 0.00023.
gnomAD v4.1: 49 of 1,614,202 alleles (0.003%); highest among the groups gnomAD compares: African/African-American, 0.029%; 1 homozygote.

Submissions (2):

Labcorp Genetics (formerly Invitae), Labcorp
Classification: Likely benign. Last evaluated: 2023-03-22. Review status: criteria provided, single submitter. Criteria: Invitae Variant Classification Sherloc (09022015). Collection method: clinical testing. Allele origin: germline.

PreventionGenetics, part of Exact Sciences
Classification: Likely benign for PCDH12-related condition. Last evaluated: 2019-03-21. Review status: no assertion criteria provided. Collection method: clinical testing. Allele origin: germline. Not counted in ClinVar's aggregate classification.
Comment: This variant is classified as likely benign based on ACMG/AMP sequence variant interpretation guidelines (Richards et al. 2015 PMID: 25741868, with internal and published modifications).

NM_016580.4(PCDH12):c.2829C>T (p.Phe943=)

Genes: PCDH12 (protocadherin 12; minus strand), RNF14 (ring finger protein 14; plus strand). Cytogenetic location: 5q31.3.
Variant type: single nucleotide variant.
Coding change: c.2829C>T on transcript NM_016580.4 (MANE Select); coding-DNA position 2829, C replaced by T.
Protein change: p.Phe943=; no amino-acid change (phenylalanine 943 retained).
Molecular consequence: synonymous variant.
Genome position (GRCh38, 1-based): chr5:141,955,023, G>A on the plus strand (C>T on the coding strand, the complement: PCDH12 is on the minus strand). VCF-style: chr5-141955023-G-A. GRCh37 (hg19) VCF-style: chr5-141334588-G-A.
Other names: c.2829C>T (NM_016580.3).
Identifiers: ClinVar variation 1614303 (VCV001614303.10), dbSNP rs149882545, ClinGen allele CA3484127.